The following is an entry in ClinVar:

NM_000179.3(MSH6):c.1632_1637del (p.543KE[1])

Gene: MSH6 (mutS homolog 6; plus strand). Cytogenetic location: 2p16.3.
Variant type: Deletion.
Coding change: c.1632_1637del on transcript NM_000179.3 (MANE Select); coding-DNA positions 1632 to 1637, 6 bases deleted (AAAAGA; older notation c.1632_1637delAAAAGA).
Protein change: p.543KE[1].
Molecular consequence: inframe deletion. On other transcripts: non-coding transcript variant (4), intron variant (2).
Genome position (GRCh38, 1-based): chr2:47,799,615-47,799,620, AAAAGA deleted; deleting any 6 consecutive bases within chr2:47,799,610-47,799,620 gives the same sequence; the c. name uses the placement nearest the transcript's 3' end. VCF-style (leftmost placement, unchanged base first): chr2-47799609-CAAAGAA-C. GRCh37 (hg19) VCF-style: chr2-48026748-CAAAGAA-C.
Other names: c.1242_1247del, p.413KE[1] (NM_001281492.2); c.726_731del, p.241KE[1] (NM_001281493.2, NM_001281494.2, NM_001406811.1 and 6 more transcripts); c.1728_1733del, p.575KE[1] (NM_001406795.1, NM_001406802.1); c.1632_1637del, p.543KE[1] (NM_001406796.1, NM_001406798.1, NM_001406800.1 and 3 more transcripts); c.1335_1340del, p.444KE[1] (NM_001406797.1, NM_001406801.1, NM_001406805.1 and 10 more transcripts); c.1107_1112del, p.368KE[1] (NM_001406799.1, NM_001406806.1, NM_001406807.1); c.1554_1559del, p.517KE[1] (NM_001406804.1); c.1638_1643del, p.545KE[1] (NM_001406813.1); and 3 more.
Identifiers: ClinVar variation 2453186 (VCV002453186.2), dbSNP rs959582265, ClinGen allele CA46708504.

ClinVar aggregate classification (germline): Uncertain significance (1 of 4 stars; one submission).

Conditions:
Hereditary cancer-predisposing syndrome. Also called: Neoplastic Syndromes, Hereditary; Tumor predisposition; Hereditary neoplastic syndrome; Hereditary Cancer Syndrome. Identifiers: Orphanet 140162, MedGen C0027672, MeSH D009386, MONDO:0015356.

Submission:

Ambry Genetics
Classification: Uncertain significance for Hereditary cancer-predisposing syndrome. Last evaluated: 2023-01-17. Review status: criteria provided, single submitter. Criteria: Ambry Variant Classification Scheme 2023. Collection method: clinical testing. Allele origin: germline.
Comment: The c.1632_1637delAAAAGA variant (also known as p.K545_E546del) is located in coding exon 4 of the MSH6 gene. This variant results from an in-frame AAAAGA deletion at nucleotide positions 1632 to 1637. This results in the in-frame deletion of a lysine and glutamic acid at codons 545 to 546. This amino acid region is well conserved in available vertebrate species. In addition, the in silico prediction for this alteration is inconclusive (Choi Y et al. PLoS ONE. 2012; 7(10):e46688). Since supporting evidence is limited at this time, the clinical significance of this alteration remains unclear.